The following is an entry in ClinVar:

ClinVar aggregate classification (germline): Uncertain significance (1 of 4 stars; one submission).

Conditions:
Hereditary cancer-predisposing syndrome. Also called: Neoplastic Syndromes, Hereditary; Tumor predisposition; Hereditary Cancer Syndrome; Hereditary neoplastic syndrome. Identifiers: Orphanet 140162, MedGen C0027672, MeSH D009386, MONDO:0015356.

Submission:

Ambry Genetics
Classification: Uncertain significance for Hereditary cancer-predisposing syndrome. Last evaluated: 2022-09-19. Review status: criteria provided, single submitter. Criteria: Ambry Variant Classification Scheme 2023. Collection method: clinical testing. Allele origin: germline.
Comment: The p.P216S variant (also known as c.646C>T), located in coding exon 4 of the FLCN gene, results from a C to T substitution at nucleotide position 646. The proline at codon 216 is replaced by serine, an amino acid with similar properties. This amino acid position is conserved. In addition, the in silico prediction for this alteration is inconclusive. Since supporting evidence is limited at this time, the clinical significance of this alteration remains unclear.

NM_144997.7(FLCN):c.646C>T (p.Pro216Ser)

Gene: FLCN (folliculin; minus strand). Cytogenetic location: 17p11.2.
Variant type: single nucleotide variant.
Coding change: c.646C>T on transcript NM_144997.7 (MANE Select); coding-DNA position 646, C replaced by T.
Protein change: p.Pro216Ser; replaces proline 216 with serine.
Molecular consequence: missense variant.
Genome position (GRCh38, 1-based): chr17:17,222,634, G>A on the plus strand (C>T on the coding strand, the complement: FLCN is on the minus strand). VCF-style: chr17-17222634-G-A. GRCh37 (hg19) VCF-style: chr17-17125948-G-A.
Other names: c.646C>T, p.Pro216Ser (NM_144606.7, NM_001353230.2, NM_001353231.2); c.700C>T, p.Pro234Ser (NM_001353229.2); short protein forms P234S, P216S.
Identifiers: ClinVar variation 1753700 (VCV001753700.2), dbSNP rs1274746260, ClinGen allele CA398534094.